The following is an entry in ClinVar:

ClinVar aggregate classification (germline): Uncertain significance (1 of 4 stars; one submission).

Conditions:
Birt-Hogg-Dube syndrome. Also called: Birt Hogg Dubé syndrome. Identifiers: Orphanet 122, MedGen C0346010, MONDO:0800444.

Allele frequency attached by ClinVar (database versions not stated): gnomAD 0.00001; TOPMed 0.00001.
gnomAD v4.1: 1 of 152,142 alleles (0.00066%); highest among the groups gnomAD compares: Non-Finnish European, 0.0015%; no homozygotes.

Submission:

Labcorp Genetics (formerly Invitae), Labcorp
Classification: Uncertain significance for Birt-Hogg-Dube syndrome. Last evaluated: 2025-10-09. Review status: criteria provided, single submitter. Criteria: Invitae Variant Classification Sherloc (09022015). Collection method: clinical testing. Allele origin: germline.
Comment: This sequence change falls in intron 11 of the FLCN gene. It does not directly change the encoded amino acid sequence of the FLCN protein. RNA analysis indicates that this variant induces altered splicing and may result in an absent or altered protein product. This variant is not present in population databases (gnomAD no frequency). This variant has not been reported in the literature in individuals affected with FLCN-related conditions. ClinVar contains an entry for this variant (Variation ID: 1959617). Studies have shown that this variant results in cryptic exon inclusion, and produces a non-functional protein and/or introduces a premature termination codon (internal data). In summary, the available evidence is currently insufficient to determine the role of this variant in disease. Therefore, it has been classified as a Variant of Uncertain Significance.

NM_144997.7(FLCN):c.1300+323C>G

Gene: FLCN (folliculin; minus strand). Cytogenetic location: 17p11.2.
Variant type: single nucleotide variant.
Coding change: c.1300+323C>G on transcript NM_144997.7 (MANE Select); 323 bases into the intron after coding-DNA position 1300, C replaced by G.
Molecular consequence: intron variant.
Genome position (GRCh38, 1-based): chr17:17,216,057, G>C on the plus strand (C>G on the coding strand, the complement: FLCN is on the minus strand). VCF-style: chr17-17216057-G-C. GRCh37 (hg19) VCF-style: chr17-17119371-G-C.
Other names: c.1300+323C>G (NM_001353231.2, NM_001353230.2); c.1354+323C>G (NM_001353229.2).
Identifiers: ClinVar variation 1959617 (VCV001959617.5), dbSNP rs1314161772, ClinGen allele CA726584541.